The following is an entry in ClinVar:

NM_024334.3(TMEM43):c.195T>C (p.Ala65=)

Gene: TMEM43 (transmembrane protein 43; plus strand). Cytogenetic location: 3p25.1.
Variant type: single nucleotide variant.
Coding change: c.195T>C on transcript NM_024334.3 (MANE Select); coding-DNA position 195, T replaced by C.
Protein change: p.Ala65=; no amino-acid change (alanine 65 retained).
Molecular consequence: synonymous variant.
Genome position (GRCh38, 1-based): chr3:14,130,854, T>C. VCF-style: chr3-14130854-T-C. GRCh37 (hg19) VCF-style: chr3-14172354-T-C.
Identifiers: ClinVar variation 1329319 (VCV001329319.3), dbSNP rs2124986930, ClinGen allele CA432551101.

ClinVar aggregate classification (germline): Likely benign. Review status: criteria provided, multiple submitters, no conflicts (2 of 4 stars). 2 submissions from 2 submitters: Likely benign (2). Last evaluated 2023-04-10.

Conditions:
Arrhythmogenic right ventricular dysplasia 5. Also called: Arrhythmogenic Right Ventricular Dysplasia/Cardiomyopathy 5; ARRHYTHMOGENIC RIGHT VENTRICULAR DYSPLASIA, FAMILIAL, 5. Identifiers: MedGen C1858379, MONDO:0011459, OMIM 604400.
Cardiomyopathy (CMYO). Also called: Cardiomyopathies. Identifiers: Orphanet 167848, MedGen C0878544, MONDO:0004994, HP:0001638. Inheritance: Various modes of inheritance.

Submissions (2):

All of Us Research Program, National Institutes of Health
Classification: Likely benign for Arrhythmogenic right ventricular dysplasia 5. Last evaluated: 2023-04-10. Review status: criteria provided, single submitter. Criteria: ACMG Guidelines, 2015. Collection method: clinical testing. Allele origin: germline. Inheritance: Autosomal dominant inheritance. Observed: 1 variant allele, 1 heterozygote.
Comment: This study involves interpretation of variants in research participants for the purpose of population health screening. Participant phenotype was not available at the time of variant classification. Additional details can be found in publication PMID: 35346344, PMCID: PMC8962531

CHEO Genetics Diagnostic Laboratory, Children's Hospital of Eastern Ontario
Classification: Likely benign for Cardiomyopathy. Last evaluated: 2020-04-24. Review status: criteria provided, single submitter. Criteria: ACMG Guidelines, 2015. Collection method: clinical testing. Allele origin: germline.